The following is an entry in ClinVar:

NM_001005242.3(PKP2):c.1378+18T>C

Gene: PKP2 (plakophilin 2; minus strand). Cytogenetic location: 12p11.21.
Variant type: single nucleotide variant.
Coding change: c.1378+18T>C on transcript NM_001005242.3 (MANE Select); 18 bases into the intron after coding-DNA position 1378, T replaced by C.
Molecular consequence: intron variant.
Genome position (GRCh38, 1-based): chr12:32,850,748, A>G on the plus strand (T>C on the coding strand, the complement: PKP2 is on the minus strand). VCF-style: chr12-32850748-A-G. GRCh37 (hg19) VCF-style: chr12-33003682-A-G.
Other names: c.1378+18T>C (NM_004572.4).
Identifiers: ClinVar variation 506907 (VCV000506907.8), dbSNP rs374266697, ClinGen allele CA027770.

ClinVar aggregate classification (germline): Likely benign. Review status: criteria provided, multiple submitters, no conflicts (2 of 4 stars). 2 submissions from 2 submitters: Likely benign (2). Last evaluated 2023-09-21.

Conditions:
Arrhythmogenic right ventricular dysplasia 9 (ARVD9). Also called: ARRHYTHMOGENIC RIGHT VENTRICULAR DYSPLASIA, FAMILIAL, 9; Arrhythmogenic Right Ventricular Dysplasia/Cardiomyopathy 9. Identifiers: MedGen C1836906, MONDO:0012180, OMIM 609040.

Allele frequency attached by ClinVar (database versions not stated): gnomAD exomes below 0.00001; ExAC 0.00001; TOPMed 0.00002; gnomAD 0.00004; ESP Exome Variant Server 0.00008.
gnomAD v4.1: 13 of 1,597,330 alleles (0.00081%); highest among the groups gnomAD compares: Middle Eastern, 0.067%; no homozygotes.

Submissions (2):

Labcorp Genetics (formerly Invitae), Labcorp
Classification: Likely benign for Arrhythmogenic right ventricular dysplasia 9. Last evaluated: 2023-09-21. Review status: criteria provided, single submitter. Criteria: Invitae Variant Classification Sherloc (09022015). Collection method: clinical testing. Allele origin: germline.

GeneDx
Classification: Likely benign. Last evaluated: 2017-01-20. Review status: criteria provided, single submitter. Criteria: GeneDx Variant Classification (06012015). Collection method: clinical testing. Allele origin: germline. Affected: yes.
Comment: This variant is considered likely benign or benign based on one or more of the following criteria: it is a conservative change, it occurs at a poorly conserved position in the protein, it is predicted to be benign by multiple in silico algorithms, and/or has population frequency not consistent with disease.